The following is an entry in ClinVar:

ClinVar aggregate classification (germline): Uncertain significance (1 of 4 stars; one submission).

Conditions:
Short-rib thoracic dysplasia 11 with or without polydactyly (SRTD11). Also called: SHORT-RIB THORACIC DYSPLASIA 11 WITHOUT POLYDACTYLY. Identifiers: Orphanet 474, Orphanet 93271, MedGen C3810200, MONDO:0014287, OMIM 615633.

gnomAD v4.1: 18 of 1,433,288 alleles (0.0013%); highest among the groups gnomAD compares: Non-Finnish European, 0.0015%; no homozygotes.

Submission:

Labcorp Genetics (formerly Invitae), Labcorp
Classification: Uncertain significance for Short-rib thoracic dysplasia 11 with or without polydactyly. Last evaluated: 2022-10-05. Review status: criteria provided, single submitter. Criteria: Invitae Variant Classification Sherloc (09022015). Collection method: clinical testing. Allele origin: germline.
Comment: This sequence change replaces glutamine, which is neutral and polar, with proline, which is neutral and non-polar, at codon 6 of the WDR34 protein (p.Gln6Pro). This variant is not present in population databases (gnomAD no frequency). This variant has not been reported in the literature in individuals affected with WDR34-related conditions. Algorithms developed to predict the effect of missense changes on protein structure and function are either unavailable or do not agree on the potential impact of this missense change (SIFT: "Deleterious"; PolyPhen-2: "Benign"; Align-GVGD: "Class C0"). In summary, the available evidence is currently insufficient to determine the role of this variant in disease. Therefore, it has been classified as a Variant of Uncertain Significance.

NM_052844.4(DYNC2I2):c.17A>C (p.Gln6Pro)

Gene: DYNC2I2 (dynein 2 intermediate chain 2; minus strand). Cytogenetic location: 9q34.11.
Variant type: single nucleotide variant.
Coding change: c.17A>C on transcript NM_052844.4 (MANE Select); coding-DNA position 17, A replaced by C.
Protein change: p.Gln6Pro; replaces glutamine 6 with proline.
Molecular consequence: missense variant.
Genome position (GRCh38, 1-based): chr9:128,656,710, T>G on the plus strand (A>C on the coding strand, the complement: DYNC2I2 is on the minus strand). VCF-style: chr9-128656710-T-G. GRCh37 (hg19) VCF-style: chr9-131418989-T-G.
Other names: short protein forms Q6P.
Identifiers: ClinVar variation 2163074 (VCV002163074.4), dbSNP rs1029015173, ClinGen allele CA200386420.